The following is an entry in ClinVar:

NM_000548.5(TSC2):c.1238_1239del (p.Arg413fs)

Gene: TSC2 (TSC complex subunit 2; plus strand). Cytogenetic location: 16p13.3.
Variant type: Microsatellite.
Coding change: c.1238_1239del on transcript NM_000548.5 (MANE Select); coding-DNA positions 1238 to 1239, 2 bases deleted (GA; older notation c.1238_1239delGA).
Protein change: p.Arg413fs; shifts the reading frame from arginine 413.
Molecular consequence: frameshift variant. On other transcripts: non-coding transcript variant (5), 5 prime UTR variant (10).
Genome position (GRCh38, 1-based): chr16:2,061,989-2,061,990, GA deleted; deleting any 2 consecutive bases within chr16:2,061,985-2,061,990 gives the same sequence; the c. name uses the placement nearest the transcript's 3' end. VCF-style (leftmost placement, unchanged base first): chr16-2061984-GGA-G. GRCh37 (hg19) VCF-style: chr16-2111985-GGA-G.
Other names: c.1238_1239del, p.Arg413fs (NM_021055.3, NM_001077183.3, NM_001114382.3 and 6 more transcripts); c.776_777del, p.Arg259fs (NM_001406681.1); c.638_639del, p.Arg213fs (NM_001406682.1, NM_001406683.1, NM_001406684.1 and 6 more transcripts); c.-111GA[2] (NM_001406689.1, NM_001406690.1, NM_001406691.1 and 4 more transcripts); c.-79GA[2] (NM_001406694.1, NM_001406695.1); c.-287GA[2] (NM_001406698.1); c.1127_1128del, p.Arg376fs (NM_001318827.2, NM_001406670.1, NM_001406678.1); c.1091_1092del, p.Arg364fs (NM_001318829.2, NM_001406675.1, NM_001406676.1 and 1 more transcripts); and 4 more; short protein forms R213fs, R259fs, R364fs, R376fs, R394fs, R409fs, R413fs, R424fs.
Identifiers: ClinVar variation 3907679 (VCV003907679.1).

ClinVar aggregate classification (germline): Pathogenic (1 of 4 stars; one submission).

Conditions:
Tuberous sclerosis 2 (TSC2). Identifiers: Orphanet 805, MedGen C1860707, MONDO:0013199, OMIM 613254.

Submission:

MVZ Medizinische Genetik Mainz
Classification: Pathogenic for Tuberous sclerosis 2. Last evaluated: 2025-05-28. Review status: criteria provided, single submitter. Criteria: UK Practice Guidelines For Variant Classification V4 01 2020. Collection method: clinical testing. Allele origin: germline. Inheritance: Autosomal dominant inheritance. Affected: yes. Observed: 1 variant allele.
Comment: ACMG Criteria: PVS1,PM2_SUP,PP4